The following is an entry in ClinVar:

ClinVar aggregate classification (germline): Uncertain significance (1 of 4 stars; one submission).

Conditions:
Hereditary spastic paraplegia 4. Also called: Spastic paraplegia 4, autosomal dominant; Spastic Paraplegia 4; Familial spastic paraplegia autosomal dominant 2. Identifiers: Orphanet 100985, MedGen C1866855, MONDO:0008438, OMIM 182601.

Submission:

Labcorp Genetics (formerly Invitae), Labcorp
Classification: Uncertain significance for Hereditary spastic paraplegia 4. Last evaluated: 2022-11-28. Review status: criteria provided, single submitter. Criteria: Invitae Variant Classification Sherloc (09022015). Collection method: clinical testing. Allele origin: germline.
Comment: In summary, the available evidence is currently insufficient to determine the role of this variant in disease. Therefore, it has been classified as a Variant of Uncertain Significance. This sequence change replaces asparagine, which is neutral and polar, with lysine, which is basic and polar, at codon 217 of the SPAST protein (p.Asn217Lys). This variant is not present in population databases (gnomAD no frequency). This variant has not been reported in the literature in individuals affected with SPAST-related conditions. Advanced modeling of protein sequence and biophysical properties (such as structural, functional, and spatial information, amino acid conservation, physicochemical variation, residue mobility, and thermodynamic stability) performed at Invitae indicates that this missense variant is not expected to disrupt SPAST protein function.

NM_014946.4(SPAST):c.651C>A (p.Asn217Lys)

Gene: SPAST (spastin; plus strand). Cytogenetic location: 2p22.3.
Variant type: single nucleotide variant.
Coding change: c.651C>A on transcript NM_014946.4 (MANE Select); coding-DNA position 651, C replaced by A.
Protein change: p.Asn217Lys; replaces asparagine 217 with lysine.
Molecular consequence: missense variant. On other transcripts: intron variant (3).
Genome position (GRCh38, 1-based): chr2:32,098,860, C>A. VCF-style: chr2-32098860-C-A. GRCh37 (hg19) VCF-style: chr2-32323929-C-A.
Other names: c.648C>A, p.Asn216Lys (NM_001363823.2); c.586+9255C>A (NM_199436.2, NM_001377959.1); c.583+9255C>A (NM_001363875.2); short protein forms N217K, N216K.
Identifiers: ClinVar variation 2817060 (VCV002817060.3), dbSNP rs2148717765, ClinGen allele CA346603973.